The following is an entry in ClinVar:

NM_033026.6(PCLO):c.11221A>G (p.Ser3741Gly)

Gene: PCLO (piccolo presynaptic cytomatrix protein; minus strand). Cytogenetic location: 7q21.11.
Variant type: single nucleotide variant.
Coding change: c.11221A>G on transcript NM_033026.6 (MANE Select); coding-DNA position 11221, A replaced by G.
Protein change: p.Ser3741Gly; replaces serine 3741 with glycine.
Molecular consequence: missense variant.
Genome position (GRCh38, 1-based): chr7:82,916,765, T>C on the plus strand (A>G on the coding strand, the complement: PCLO is on the minus strand). VCF-style: chr7-82916765-T-C. GRCh37 (hg19) VCF-style: chr7-82546081-T-C.
Other names: c.11221A>G, p.Ser3741Gly (NM_014510.3); c.11221A>G (NM_033026.5); short protein forms S3741G.
Identifiers: ClinVar variation 1500948 (VCV001500948.7), dbSNP rs751099661, ClinGen allele CA4319591.

ClinVar aggregate classification (germline): Uncertain significance. Review status: criteria provided, multiple submitters, no conflicts (2 of 4 stars). 2 submissions from 2 submitters: Uncertain significance (2). Last evaluated 2025-08-30.

Conditions:
Inborn genetic diseases. Identifiers: MedGen C0950123, MeSH D030342.

Allele frequency attached by ClinVar (database versions not stated): gnomAD exomes 0.00001 and 0.00002; ExAC 0.00002; gnomAD 0.00007 and 0.00008; TOPMed 0.00009.
gnomAD v4.1: 15 of 1,613,694 alleles (0.00093%); highest among the groups gnomAD compares: African/African-American, 0.019%; no homozygotes.

Submissions (2):

Ambry Genetics
Classification: Uncertain significance for Inborn genetic diseases. Last evaluated: 2025-08-30. Review status: criteria provided, single submitter. Criteria: Ambry Variant Classification Scheme 2023. Collection method: clinical testing. Allele origin: germline.

Labcorp Genetics (formerly Invitae), Labcorp
Classification: Uncertain significance. Last evaluated: 2024-09-23. Review status: criteria provided, single submitter. Criteria: Invitae Variant Classification Sherloc (09022015). Collection method: clinical testing. Allele origin: germline.
Comment: This sequence change replaces serine, which is neutral and polar, with glycine, which is neutral and non-polar, at codon 3741 of the PCLO protein (p.Ser3741Gly). This variant is present in population databases (rs751099661, gnomAD 0.02%). This variant has not been reported in the literature in individuals affected with PCLO-related conditions. ClinVar contains an entry for this variant (Variation ID: 1500948). An algorithm developed to predict the effect of missense changes on protein structure and function outputs the following: PolyPhen-2: "Not Available". The glycine amino acid residue is found in multiple mammalian species, which suggests that this missense change does not adversely affect protein function. In summary, the available evidence is currently insufficient to determine the role of this variant in disease. Therefore, it has been classified as a Variant of Uncertain Significance.